The following is an entry in ClinVar:

NM_001382391.1(CSPP1):c.2080G>T (p.Ala694Ser)

Gene: CSPP1 (centrosome and spindle pole associated protein 1; plus strand). Cytogenetic location: 8q13.2.
Variant type: single nucleotide variant.
Coding change: c.2080G>T on transcript NM_001382391.1 (MANE Select); coding-DNA position 2080, G replaced by T.
Protein change: p.Ala694Ser; replaces alanine 694 with serine.
Molecular consequence: missense variant. On other transcripts: intron variant (3).
Genome position (GRCh38, 1-based): chr8:67,149,887, G>T. VCF-style: chr8-67149887-G-T. GRCh37 (hg19) VCF-style: chr8-68062122-G-T.
Other names: c.1999G>T, p.Ala667Ser (NM_001363131.2); c.2146G>T, p.Ala716Ser (NM_001364869.1); c.1966G>T, p.Ala656Ser (NM_001364870.1); c.2065G>T, p.Ala689Ser (NM_024790.7); c.1934-4137G>T (NM_001363132.2); c.1853-4137G>T (NM_001363133.2); c.1079-4137G>T (NM_001291339.2); short protein forms A689S, A656S, A667S, A716S, A694S.
Identifiers: ClinVar variation 860989 (VCV000860989.9), dbSNP rs751023936, ClinGen allele CA4770733.

ClinVar aggregate classification (germline): Uncertain significance (1 of 4 stars; one submission).

Conditions:
Joubert syndrome 21 (JBTS21). Identifiers: MedGen C3810212, MONDO:0014288, OMIM 615636.

Allele frequency attached by ClinVar (database versions not stated): gnomAD exomes below 0.00001 and 0.00001; TOPMed below 0.00001; ExAC 0.00001; gnomAD 0.00001.
gnomAD v4.1: 7 of 1,601,378 alleles (0.00044%); highest among the groups gnomAD compares: Non-Finnish European, 0.0006%; no homozygotes.

Submission:

Labcorp Genetics (formerly Invitae), Labcorp
Classification: Uncertain significance for Joubert syndrome 21. Last evaluated: 2020-10-01. Review status: criteria provided, single submitter. Criteria: Invitae Variant Classification Sherloc (09022015). Collection method: clinical testing. Allele origin: germline.
Comment: This sequence change replaces alanine with serine at codon 689 of the CSPP1 protein (p.Ala689Ser). The alanine residue is moderately conserved and there is a moderate physicochemical difference between alanine and serine. This variant is present in population databases (rs751023936, ExAC 0.001%). This variant has not been reported in the literature in individuals with CSPP1-related conditions. Algorithms developed to predict the effect of missense changes on protein structure and function are either unavailable or do not agree on the potential impact of this missense change (SIFT: "Deleterious"; PolyPhen-2: "Benign"; Align-GVGD: "Class C0"). In summary, the available evidence is currently insufficient to determine the role of this variant in disease. Therefore, it has been classified as a Variant of Uncertain Significance.